The following is an entry in ClinVar:

NM_021870.3(FGG):c.768T>C (p.Asn256=)

Gene: FGG (fibrinogen gamma chain; minus strand). Cytogenetic location: 4q32.1.
Variant type: single nucleotide variant.
Coding change: c.768T>C on transcript NM_021870.3 (MANE Select); coding-DNA position 768, T replaced by C.
Protein change: p.Asn256=; no amino-acid change (asparagine 256 retained).
Molecular consequence: synonymous variant.
Genome position (GRCh38, 1-based): chr4:154,608,549, A>G on the plus strand (T>C on the coding strand, the complement: FGG is on the minus strand). VCF-style: chr4-154608549-A-G. GRCh37 (hg19) VCF-style: chr4-155529701-A-G.
Other names: c.768T>C, p.Asn256= (NM_000509.6).
Identifiers: ClinVar variation 737737 (VCV000737737.7), dbSNP rs764126419, ClinGen allele CA3115554.

ClinVar aggregate classification (germline): Likely benign. Review status: criteria provided, multiple submitters, no conflicts (2 of 4 stars). 2 submissions from 2 submitters: Likely benign (2). Last evaluated 2025-09-04.

Conditions:
FGG-related disorder. Also called: FGG-related condition.

Allele frequency attached by ClinVar (database versions not stated): gnomAD 0.00005; gnomAD exomes 0.00007 and 0.00022; TOPMed 0.00009; ExAC 0.00017.
gnomAD v4.1: 111 of 1,613,734 alleles (0.0069%); highest among the groups gnomAD compares: Admixed American, 0.09%; no homozygotes.

Submissions (2):

PreventionGenetics, part of Exact Sciences
Classification: Likely benign for FGG-related condition. Last evaluated: 2025-09-04. Review status: criteria provided, single submitter. Criteria: ACMG Guidelines, 2015. Collection method: clinical testing. Allele origin: germline.
Comment: This variant is classified as likely benign based on ACMG/AMP sequence variant interpretation guidelines (Richards et al. 2015 PMID: 25741868, with internal and published modifications).

Labcorp Genetics (formerly Invitae), Labcorp
Classification: Likely benign. Last evaluated: 2023-10-19. Review status: criteria provided, single submitter. Criteria: Invitae Variant Classification Sherloc (09022015). Collection method: clinical testing. Allele origin: germline.